The following is an entry in ClinVar:

ClinVar aggregate classification (germline): Uncertain significance. Review status: criteria provided, multiple submitters, no conflicts (2 of 4 stars). 2 submissions from 2 submitters: Uncertain significance (2). Last evaluated 2025-05-18.

Conditions:
Leukocyte adhesion deficiency 1 (LAD1). Also called: LEUKOCYTE ADHESION DEFICIENCY, TYPE I; LAD 1; Lymphocyte function-associated antigen 1 immunodeficiency; LFA 1 immunodeficiency. Identifiers: Orphanet 2968, Orphanet 99842, MedGen C0398738, MONDO:0007293, OMIM 116920.
Inborn genetic diseases. Identifiers: MedGen C0950123, MeSH D030342.

Allele frequency attached by ClinVar (database versions not stated): gnomAD exomes 0.00001 and 0.00002; ExAC 0.00002; TOPMed 0.00003; gnomAD 0.00004.
gnomAD v4.1: 25 of 1,614,018 alleles (0.0015%); highest among the groups gnomAD compares: Admixed American, 0.005%; no homozygotes.

Submissions (2):

Ambry Genetics
Classification: Uncertain significance for Inborn genetic diseases. Last evaluated: 2025-05-18. Review status: criteria provided, single submitter. Criteria: Ambry Variant Classification Scheme 2023. Collection method: clinical testing. Allele origin: germline.

Labcorp Genetics (formerly Invitae), Labcorp
Classification: Uncertain significance for Leukocyte adhesion deficiency 1. Last evaluated: 2021-08-27. Review status: criteria provided, single submitter. Criteria: Invitae Variant Classification Sherloc (09022015). Collection method: clinical testing. Allele origin: germline.
Comment: This sequence change replaces asparagine with serine at codon 92 of the ITGB2 protein (p.Asn92Ser). The asparagine residue is weakly conserved and there is a small physicochemical difference between asparagine and serine. This variant is present in population databases (rs760545709, ExAC 0.02%). This variant has not been reported in the literature in individuals affected with ITGB2-related conditions. Algorithms developed to predict the effect of missense changes on protein structure and function (SIFT, PolyPhen-2, Align-GVGD) all suggest that this variant is likely to be tolerated. In summary, the available evidence is currently insufficient to determine the role of this variant in disease. Therefore, it has been classified as a Variant of Uncertain Significance.

NM_000211.5(ITGB2):c.275A>G (p.Asn92Ser)

Gene: ITGB2 (integrin subunit beta 2; minus strand). Cytogenetic location: 21q22.3.
Variant type: single nucleotide variant.
Coding change: c.275A>G on transcript NM_000211.5 (MANE Select); coding-DNA position 275, A replaced by G.
Protein change: p.Asn92Ser; replaces asparagine 92 with serine.
Molecular consequence: missense variant.
Genome position (GRCh38, 1-based): chr21:44,906,968, T>C on the plus strand (A>G on the coding strand, the complement: ITGB2 is on the minus strand). VCF-style: chr21-44906968-T-C. GRCh37 (hg19) VCF-style: chr21-46326883-T-C.
Other names: c.275A>G, p.Asn92Ser (NM_001127491.3); c.68A>G, p.Asn23Ser (NM_001303238.2); c.275A>G (NM_000211.3); short protein forms N92S, N23S.
Identifiers: ClinVar variation 648505 (VCV000648505.10), dbSNP rs760545709, ClinGen allele CA10063275.